The following is an entry in ClinVar:

NM_001372.4(DNAH9):c.4719T>G (p.Tyr1573Ter)

Gene: DNAH9 (dynein axonemal heavy chain 9; plus strand). Cytogenetic location: 17p12.
Variant type: single nucleotide variant.
Coding change: c.4719T>G on transcript NM_001372.4 (MANE Select); coding-DNA position 4719, T replaced by G.
Protein change: p.Tyr1573Ter; replaces tyrosine 1573 with a stop codon.
Molecular consequence: nonsense.
Genome position (GRCh38, 1-based): chr17:11,693,972, T>G. VCF-style: chr17-11693972-T-G. GRCh37 (hg19) VCF-style: chr17-11597289-T-G.
Other names: short protein forms Y1573*.
Identifiers: ClinVar variation 1358881 (VCV001358881.19), dbSNP rs200681631, ClinGen allele CA8395747.
Genomic context (GRCh38, chr17:11,693,972, plus strand): 5'-AGCTTATGATGCCCAGAAAATTCCAAATGTAGTGCAAACCACCAACAAGCCAGGCCTGTA[T>G]GAAAAGCTGGAGGATATTCAGGGCAGGTGAGGGTCCGCCCATTACCCCTTCTCTAATAAG-3'

ClinVar aggregate classification (germline): Pathogenic/Likely pathogenic. Review status: criteria provided, multiple submitters, no conflicts (2 of 4 stars). 3 submissions from 3 submitters: Pathogenic (1); Likely pathogenic (1). 1 of the submissions does not count toward it. Last evaluated 2025-08-15.

Conditions:
Congenital heart disease (CHD). Identifiers: MedGen C0152021, MONDO:0005453. Disease mechanism: unknown.
DNAH9-related disorder. Also called: DNAH9-related condition.

Allele frequency attached by ClinVar (database versions not stated): TOPMed 0.00007; gnomAD exomes 0.00011; gnomAD 0.00021.
gnomAD v4.1: 183 of 1,614,046 alleles (0.011%); highest among the groups gnomAD compares: Non-Finnish European, 0.0092%; no homozygotes.

Submissions (3):

Labcorp Genetics (formerly Invitae), Labcorp
Classification: Pathogenic. Last evaluated: 2025-08-15. Review status: criteria provided, single submitter. Criteria: Invitae Variant Classification Sherloc (09022015). Collection method: clinical testing. Allele origin: germline.
Comment: This sequence change creates a premature translational stop signal (p.Tyr1573*) in the DNAH9 gene. It is expected to result in an absent or disrupted protein product. Loss-of-function variants in DNAH9 are known to be pathogenic (PMID: 30471718). This variant is present in population databases (rs200681631, gnomAD 0.09%). This variant has not been reported in the literature in individuals affected with DNAH9-related conditions. ClinVar contains an entry for this variant (Variation ID: 1358881). Algorithms developed to predict the effect of sequence changes on RNA splicing suggest that this variant may disrupt the consensus splice site. For these reasons, this variant has been classified as Pathogenic.

Blueprint Genetics
Classification: Likely pathogenic for DNAH9-related disorders. Last evaluated: 2024-11-23. Review status: criteria provided, single submitter. Criteria: ACMG Guidelines, 2015. Collection method: clinical testing. Allele origin: germline. Affected: yes. Observed: 5 variant alleles.

Istanbul Faculty of Medicine, Istanbul University
Classification: Pathogenic for Congenital heart disease. Last evaluated: 2022-01-10. Review status: no assertion criteria provided. Collection method: clinical testing. Allele origin: germline. Affected: yes. Observed: 1 variant allele. Not counted in ClinVar's aggregate classification.
Comment: Complex cardiac defects

Literature cited by the submitters: PubMed 30471718 (cited by Labcorp Genetics (formerly Invitae), Labcorp).